The following is an entry in ClinVar:

ClinVar aggregate classification (germline): Pathogenic/Likely pathogenic. Review status: criteria provided, multiple submitters, no conflicts (2 of 4 stars). 2 submissions from 2 submitters: Pathogenic (1); Likely pathogenic (1). Last evaluated 2022-08-09.

Conditions:
Glycine encephalopathy. Also called: Nonketotic hyperglycinemia; Non-ketotic hyperglycinemia. Identifiers: Orphanet 407, MedGen C0751748, MONDO:0011612, HP:0008288.

Allele frequency attached by ClinVar (database versions not stated): gnomAD 0.00001.
gnomAD v4.1: 2 of 1,613,446 alleles (0.00012%); highest among the groups gnomAD compares: East Asian, 0.0022%; no homozygotes.

Submissions (2):

Labcorp Genetics (formerly Invitae), Labcorp
Classification: Pathogenic for Glycine encephalopathy. Last evaluated: 2022-08-09. Review status: criteria provided, single submitter. Criteria: Invitae Variant Classification Sherloc (09022015). Collection method: clinical testing. Allele origin: germline.
Comment: This sequence change creates a premature translational stop signal (p.Gln610*) in the GLDC gene. It is expected to result in an absent or disrupted protein product. Loss-of-function variants in GLDC are known to be pathogenic (PMID: 16601880). This variant is present in population databases (no rsID available, gnomAD 0.06%). This variant has not been reported in the literature in individuals affected with GLDC-related conditions. ClinVar contains an entry for this variant (Variation ID: 840877). For these reasons, this variant has been classified as Pathogenic.

Myriad Genetics, Inc.
Classification: Likely pathogenic for Glycine encephalopathy 1. Last evaluated: 2019-12-27. Review status: criteria provided, single submitter. Criteria: Myriad Women's Health Autosomal Recessive and X-Linked Classification Criteria (2019). Collection method: clinical testing. Allele origin: unknown.
Comment: NM_000170.2(GLDC):c.1828C>T(Q610*) is expected to be pathogenic in the context of GLDC-related glycine encephalopathy. This variant is predicted to lead to an abnormal or absent protein product due to the creation of a premature termination codon in GLDC, a gene where loss-of-function variants are known to be pathogenic. Please note: this variant was assessed in the context of healthy population screening.

Literature cited by the submitters: PubMed 16601880 (cited by Labcorp Genetics (formerly Invitae), Labcorp).

NM_000170.3(GLDC):c.1828C>T (p.Gln610Ter)

Gene: GLDC (glycine decarboxylase; minus strand). Cytogenetic location: 9p24.1.
Variant type: single nucleotide variant.
Coding change: c.1828C>T on transcript NM_000170.3 (MANE Select); coding-DNA position 1828, C replaced by T.
Protein change: p.Gln610Ter; replaces glutamine 610 with a stop codon.
Molecular consequence: nonsense.
Genome position (GRCh38, 1-based): chr9:6,587,163, G>A on the plus strand (C>T on the coding strand, the complement: GLDC is on the minus strand). VCF-style: chr9-6587163-G-A. GRCh37 (hg19) VCF-style: chr9-6587163-G-A.
Other names: short protein forms Q610*.
Identifiers: ClinVar variation 840877 (VCV000840877.11), dbSNP rs1251538998, ClinGen allele CA372891230.